The following is an entry in ClinVar:

ClinVar aggregate classification (germline): Uncertain significance (1 of 4 stars; one submission).

gnomAD v4.1: 3 of 1,614,090 alleles (0.00019%); highest among the groups gnomAD compares: Non-Finnish European, 0.00025%; no homozygotes.

Submission:

GeneDx
Classification: Uncertain significance. Last evaluated: 2019-08-13. Review status: criteria provided, single submitter. Criteria: GeneDx Variant Classification Process June 2021. Collection method: clinical testing. Allele origin: germline. Affected: yes.
Comment: Not observed at a significant frequency in large population cohorts (Lek et al., 2016); In silico analysis, which includes protein predictors and evolutionary conservation, supports that this variant does not alter protein structure/function; Has not been previously published as pathogenic or benign to our knowledge

NM_001242896.3(DEPDC5):c.3092C>T (p.Pro1031Leu)

Gene: DEPDC5 (DEP domain containing 5, GATOR1 subcomplex subunit; plus strand). Cytogenetic location: 22q12.3.
Variant type: single nucleotide variant.
Coding change: c.3092C>T on transcript NM_001242896.3 (MANE Select); coding-DNA position 3092, C replaced by T.
Protein change: p.Pro1031Leu; replaces proline 1031 with leucine.
Molecular consequence: missense variant. On other transcripts: non-coding transcript variant (5).
Genome position (GRCh38, 1-based): chr22:31,846,904, C>T. VCF-style: chr22-31846904-C-T. GRCh37 (hg19) VCF-style: chr22-32242890-C-T.
Other names: c.3065C>T, p.Pro1022Leu (NM_001136029.4, NM_001369903.1, NM_014662.6); c.2858C>T, p.Pro953Leu (NM_001242897.2, NM_001363854.2, NM_001364319.2); c.3092C>T, p.Pro1031Leu (NM_001363852.2, NM_001364318.2, NM_001364320.2); c.3008C>T, p.Pro1003Leu (NM_001369901.1, NM_001369902.1); short protein forms P1003L, P1022L, P1031L, P953L.
Identifiers: ClinVar variation 1307764 (VCV001307764.2), dbSNP rs376744360, ClinGen allele CA411292178.